The following is an entry in ClinVar:

NM_001178020.3(BEAN1):c.288C>T (p.Tyr96=)

Genes: BEAN1 (brain expressed associated with NEDD4 1; plus strand), BEAN1-AS1 (BEAN1 antisense RNA 1; minus strand). Cytogenetic location: 16q21.
Variant type: single nucleotide variant.
Coding change: c.288C>T on transcript NM_001178020.3 (MANE Select); coding-DNA position 288, C replaced by T.
Protein change: p.Tyr96=; no amino-acid change (tyrosine 96 retained).
Molecular consequence: synonymous variant. On other transcripts: non-coding transcript variant (1), 5 prime UTR variant (2).
Genome position (GRCh38, 1-based): chr16:66,469,864, C>T. VCF-style: chr16-66469864-C-T. GRCh37 (hg19) VCF-style: chr16-66503767-C-T.
Other names: c.-40C>T (NM_001136106.5, NM_001197224.4).
Identifiers: ClinVar variation 3770768 (VCV003770768.14).

ClinVar aggregate classification (germline): Likely benign. Review status: criteria provided, multiple submitters, no conflicts (2 of 4 stars). 2 submissions from 2 submitters: Likely benign (2). Last evaluated 2024-12-01.

gnomAD v4.1: 24 of 1,532,940 alleles (0.0016%); highest among the groups gnomAD compares: East Asian, 0.0049%; no homozygotes.

Submissions (2):

CeGaT Center for Human Genetics Tuebingen
Classification: Likely benign. Last evaluated: 2024-12-01. Review status: criteria provided, single submitter. Criteria: CeGaT Center For Human Genetics Tuebingen Variant Classification Criteria Version 2. Collection method: clinical testing. Allele origin: germline. Affected: yes. Observed: 1 variant allele.
Comment: BEAN1: BP4, BP7

Blueprint Genetics
Classification: Likely benign. Last evaluated: 2023-11-16. Review status: criteria provided, single submitter. Criteria: ACMG Guidelines, 2015. Collection method: clinical testing. Allele origin: germline.